The following is an entry in ClinVar:

ClinVar aggregate classification (germline): Conflicting classifications of pathogenicity. Review status: criteria provided, conflicting classifications (1 of 4 stars). 8 submissions from 8 submitters: Uncertain significance (1); Benign (1); Likely benign (4). 2 of the submissions do not count toward it. Last evaluated 2026-09-01.

Allele frequency attached by ClinVar (database versions not stated): 1000 Genomes Project 0.00080; 1000 Genomes Project 30x 0.00109; ExAC 0.00146; gnomAD exomes 0.00179 and 0.00300; gnomAD 0.00192 and 0.00193; TOPMed 0.00205; ESP Exome Variant Server 0.00231.
gnomAD v4.1: 4,695 of 1,602,390 alleles (0.29%); highest among the groups gnomAD compares: Non-Finnish European, 0.35%; 10 homozygotes.

Submissions (10):

CeGaT Center for Human Genetics Tuebingen
Classification: Likely benign. Last evaluated: 2026-09-01. Review status: criteria provided, single submitter. Criteria: CeGaT Center For Human Genetics Tuebingen Variant Classification Criteria Version 2. Collection method: clinical testing. Allele origin: germline. Affected: yes. Observed: 5 variant alleles.
Comment: DNAJC21: BP4, BS2

Labcorp Genetics (formerly Invitae), Labcorp
Classification: Likely benign. Last evaluated: 2026-01-24. Review status: criteria provided, single submitter. Criteria: Invitae Variant Classification Sherloc (09022015). Collection method: clinical testing. Allele origin: germline.

Women's Health and Genetics/Laboratory Corporation of America, LabCorp
Classification: Benign. Last evaluated: 2026-01-23. Review status: criteria provided, single submitter. Criteria: LabCorp Variant Classification Summary - May 2015. Collection method: clinical testing. Allele origin: germline.

Blueprint Genetics
Classification: Likely benign. Last evaluated: 2024-11-23. Review status: criteria provided, single submitter. Criteria: ACMG Guidelines, 2015. Collection method: clinical testing. Allele origin: germline.

Genetic Services Laboratory, University of Chicago
Classification: Likely benign. Last evaluated: 2021-05-03. Review status: criteria provided, single submitter. Criteria: ACMG Guidelines, 2015. Collection method: clinical testing. Allele origin: germline. Affected: no.

GeneDx
Classification: Uncertain significance. Last evaluated: 2019-11-11. Review status: criteria provided, single submitter. Criteria: GeneDx Variant Classification Process June 2021. Collection method: clinical testing. Allele origin: germline. Affected: yes.
Comment: Has not been previously published as pathogenic or benign to our knowledge; In-silico analysis, which includes splice predictors and evolutionary conservation, is inconclusive as to whether the variant alters gene splicing. In the absence of RNA/functional studies, the actual effect of this sequence change is unknown.

Clinical Genetics DNA and cytogenetics Diagnostics Lab, Erasmus MC, Erasmus Medical Center
Classification: Likely benign. Review status: no assertion criteria provided. Collection method: clinical testing. Allele origin: germline. Affected: yes. Study: VKGL Data-share Consensus. Not counted in ClinVar's aggregate classification.

Dr. Peter K. Rogan Lab, Western University
No classification provided (evidence only). Condition: Lung cancer. Review status: no classification provided. Collection method: in vitro. Allele origin: not applicable. Functional consequence: retained intron. Not counted in ClinVar's aggregate classification.

Dr. Peter K. Rogan Lab, Western University
No classification provided (evidence only). Condition: Familial pancreatic carcinoma. Review status: no classification provided. Collection method: in vitro. Allele origin: not applicable. Functional consequence: retained intron. Not counted in ClinVar's aggregate classification.

Genome Diagnostics Laboratory, University Medical Center Utrecht
Classification: Likely benign. Review status: no assertion criteria provided. Collection method: clinical testing. Allele origin: germline. Affected: yes. Study: VKGL Data-share Consensus. Not counted in ClinVar's aggregate classification.

NM_001012339.3(DNAJC21):c.316-8T>G

Gene: DNAJC21 (DnaJ heat shock protein family (Hsp40) member C21; plus strand). Cytogenetic location: 5p13.2.
Variant type: single nucleotide variant.
Coding change: c.316-8T>G on transcript NM_001012339.3 (MANE Select); 8 bases into the intron before coding-DNA position 316, T replaced by G.
Molecular consequence: intron variant.
Genome position (GRCh38, 1-based): chr5:34,936,136, T>G. VCF-style: chr5-34936136-T-G. GRCh37 (hg19) VCF-style: chr5-34936241-T-G.
Other names: c.316-8T>G (NM_001348420.2, NM_194283.4).
Identifiers: ClinVar variation 784050 (VCV000784050.51), dbSNP rs182094106, ClinGen allele CA3228417.